The following is an entry in ClinVar:

NM_015559.3(SETBP1):c.3260G>A (p.Arg1087Lys)

Gene: SETBP1 (SET binding protein 1; plus strand). Cytogenetic location: 18q12.3.
Variant type: single nucleotide variant.
Coding change: c.3260G>A on transcript NM_015559.3 (MANE Select); coding-DNA position 3260, G replaced by A.
Protein change: p.Arg1087Lys; replaces arginine 1087 with lysine.
Molecular consequence: missense variant.
Genome position (GRCh38, 1-based): chr18:44,952,600, G>A. VCF-style: chr18-44952600-G-A. GRCh37 (hg19) VCF-style: chr18-42532565-G-A.
Other names: c.3260G>A, p.Arg1087Lys (NM_001379141.1, NM_001379142.1, NM_001410862.1); c.3260G>A (NM_015559.2); short protein forms R1087K.
Identifiers: ClinVar variation 2059798 (VCV002059798.18), dbSNP rs2071385791, ClinGen allele CA402324035.

ClinVar aggregate classification (germline): Conflicting classifications of pathogenicity. Review status: criteria provided, conflicting classifications (1 of 4 stars). 4 submissions from 4 submitters: Uncertain significance (3); Likely benign (1). Last evaluated 2025-06-03.

Conditions:
Intellectual developmental disorder, autosomal dominant 29. Also called: SETBP1 Haploinsufficiency Disorder; Intellectual disability, autosomal dominant 29. Identifiers: Orphanet 436151, MedGen C4015141, MONDO:0014482, OMIM 616078.
Inborn genetic diseases. Identifiers: MedGen C0950123, MeSH D030342.

Allele frequency attached by ClinVar (database versions not stated): TOPMed below 0.00001.

Submissions (4):

Ambry Genetics
Classification: Uncertain significance for Inborn genetic diseases. Last evaluated: 2025-06-03. Review status: criteria provided, single submitter. Criteria: Ambry Variant Classification Scheme 2023. Collection method: clinical testing. Allele origin: germline.

CeGaT Center for Human Genetics Tuebingen
Classification: Uncertain significance. Last evaluated: 2025-02-01. Review status: criteria provided, single submitter. Criteria: CeGaT Center For Human Genetics Tuebingen Variant Classification Criteria Version 2. Collection method: clinical testing. Allele origin: germline. Affected: yes. Observed: 1 variant allele.
Comment: SETBP1: PM2

Labcorp Genetics (formerly Invitae), Labcorp
Classification: Likely benign. Last evaluated: 2024-03-04. Review status: criteria provided, single submitter. Criteria: Invitae Variant Classification Sherloc (09022015). Collection method: clinical testing. Allele origin: germline.

Baylor Genetics
Classification: Uncertain significance for Intellectual developmental disorder, autosomal dominant 29. Last evaluated: 2022-03-22. Review status: criteria provided, single submitter. Criteria: ACMG Guidelines, 2015. Collection method: clinical testing. Allele origin: unknown.